The following is an entry in ClinVar:

ClinVar aggregate classification (germline): Conflicting classifications of pathogenicity. Review status: criteria provided, conflicting classifications (1 of 4 stars). 3 submissions from 3 submitters: Uncertain significance (2); Benign (1). Last evaluated 2025-09-09.

Conditions:
Hereditary cancer-predisposing syndrome. Also called: Hereditary neoplastic syndrome; Hereditary Cancer Syndrome; Neoplastic Syndromes, Hereditary; Tumor predisposition. Identifiers: Orphanet 140162, MedGen C0027672, MeSH D009386, MONDO:0015356.
Familial adenomatous polyposis 2. Also called: MYH-associated polyposis; COLORECTAL ADENOMATOUS POLYPOSIS, AUTOSOMAL RECESSIVE; ADENOMAS, MULTIPLE COLORECTAL, AUTOSOMAL RECESSIVE; MUTYH-related attenuated familial adenomatous polyposis; Adenomas, multiple colorectal; FAP type 2. Identifiers: Orphanet 220460, Orphanet 247798, MedGen C3272841, MONDO:0012041, OMIM 608456.

Allele frequency attached by ClinVar (database versions not stated): gnomAD 0.00001.
gnomAD v4.1: 1 of 1,614,014 alleles (0.000062%); highest among the groups gnomAD compares: Non-Finnish European, 0.000085%; no homozygotes.

Submissions (3):

Ambry Genetics
Classification: Benign for Hereditary cancer-predisposing syndrome. Last evaluated: 2025-09-09. Review status: criteria provided, single submitter. Criteria: Ambry Variant Classification Scheme 2023. Collection method: clinical testing. Allele origin: germline.

Labcorp Genetics (formerly Invitae), Labcorp
Classification: Uncertain significance for Familial adenomatous polyposis 2. Last evaluated: 2025-09-05. Review status: criteria provided, single submitter. Criteria: Invitae Variant Classification Sherloc (09022015). Collection method: clinical testing. Allele origin: germline.
Comment: This sequence change replaces serine, which is neutral and polar, with arginine, which is basic and polar, at codon 518 of the MUTYH protein (p.Ser518Arg). This variant is present in population databases (no rsID available, gnomAD 0.007%). This variant has not been reported in the literature in individuals affected with MUTYH-related conditions. ClinVar contains an entry for this variant (Variation ID: 483938). An algorithm developed to predict the effect of missense changes on protein structure and function outputs the following: PolyPhen-2: "Benign". The arginine amino acid residue is found in multiple mammalian species, which suggests that this missense change does not adversely affect protein function. In summary, the available evidence is currently insufficient to determine the role of this variant in disease. Therefore, it has been classified as a Variant of Uncertain Significance.

Quest Diagnostics Nichols Institute San Juan Capistrano
Classification: Uncertain significance. Last evaluated: 2023-11-20. Review status: criteria provided, single submitter. Criteria: Quest Diagnostics criteria. Collection method: clinical testing. Allele origin: unknown.
Comment: The MUTYH c.1552A>C (p.Ser518Arg) variant has not been reported in individuals with MUTYH-related conditions in the published literature. The frequency of this variant in the general population, 0.000032 (1/31376 chromosomes (Genome Aggregation Database)), is uninformative in the assessment of its pathogenicity. Analysis of this variant using bioinformatics tools for the prediction of the effect of amino acid changes on protein structure and function yielded predictions that this variant is benign. Based on the available information, we are unable to determine the clinical significance of this variant.

NM_001048174.2(MUTYH):c.1468A>C (p.Ser490Arg)

Gene: MUTYH (mutY DNA glycosylase; minus strand). Cytogenetic location: 1p34.1.
Variant type: single nucleotide variant.
Coding change: c.1468A>C on transcript NM_001048174.2 (MANE Select); coding-DNA position 1468, A replaced by C.
Protein change: p.Ser490Arg; replaces serine 490 with arginine.
Molecular consequence: missense variant. On other transcripts: non-coding transcript variant (2).
Genome position (GRCh38, 1-based): chr1:45,329,404, T>G on the plus strand (A>C on the coding strand, the complement: MUTYH is on the minus strand). VCF-style: chr1-45329404-T-G. GRCh37 (hg19) VCF-style: chr1-45795076-T-G.
Other names: c.1468A>C, p.Ser490Arg (NM_001048171.2, NM_001048173.2, NM_001293195.2); c.1471A>C, p.Ser491Arg (NM_001048172.2); c.1552A>C, p.Ser518Arg (NM_001128425.2); c.1513A>C, p.Ser505Arg (NM_001293190.2); c.1501A>C, p.Ser501Arg (NM_001293191.2); c.1192A>C, p.Ser398Arg (NM_001293192.2, NM_001293196.2); c.1123A>C, p.Ser375Arg (NM_001350650.2, NM_001350651.2); c.1543A>C, p.Ser515Arg (NM_012222.3); short protein forms S518R, S490R, S515R, S375R, S501R, S398R, S491R, S505R.
Identifiers: ClinVar variation 483938 (VCV000483938.16), dbSNP rs1380281188, ClinGen allele CA340131837.